The following is an entry in ClinVar:

NM_000273.3(GPR143):c.361-6T>A

Gene: GPR143 (G protein-coupled receptor 143; minus strand). Cytogenetic location: Xp22.2.
Variant type: single nucleotide variant.
Coding change: c.361-6T>A on transcript NM_000273.3 (MANE Select); 6 bases into the intron before coding-DNA position 361, T replaced by A.
Molecular consequence: intron variant.
Genome position (GRCh38, 1-based): chrX:9,759,432, A>T on the plus strand (T>A on the coding strand, the complement: GPR143 is on the minus strand). VCF-style: chrX-9759432-A-T. GRCh37 (hg19) VCF-style: chrX-9727472-A-T.
Identifiers: ClinVar variation 2839640 (VCV002839640.3), dbSNP rs2083486765, ClinGen allele CA2693067032.

ClinVar aggregate classification (germline): Uncertain significance (1 of 4 stars; one submission).

gnomAD v4.1: 1 of 1,144,025 alleles (0.000087%); highest among the groups gnomAD compares: South Asian, 0.0019%; no homozygotes.

Submission:

Labcorp Genetics (formerly Invitae), Labcorp
Classification: Uncertain significance. Last evaluated: 2023-02-21. Review status: criteria provided, single submitter. Criteria: Invitae Variant Classification Sherloc (09022015). Collection method: clinical testing. Allele origin: germline.
Comment: In summary, the available evidence is currently insufficient to determine the role of this variant in disease. Therefore, it has been classified as a Variant of Uncertain Significance. Algorithms developed to predict the effect of sequence changes on RNA splicing suggest that this variant may disrupt the consensus splice site. This variant has not been reported in the literature in individuals affected with GPR143-related conditions. This variant is not present in population databases (gnomAD no frequency). This sequence change falls in intron 2 of the GPR143 gene. It does not directly change the encoded amino acid sequence of the GPR143 protein.